The following is an entry in ClinVar:

ClinVar aggregate classification (germline): Pathogenic (1 of 4 stars; one submission).

Conditions:
Neuropathy, hereditary sensory and autonomic, type 2A (HSAN2A). Also called: ACROOSTEOLYSIS, GIACCAI TYPE; ACROOSTEOLYSIS, NEUROGENIC; WNK1-Related HSAN2 (HSAN2A); MORVAN DISEASE; NEUROPATHY, CONGENITAL SENSORY; NEUROPATHY, HEREDITARY SENSORY RADICULAR, AUTOSOMAL RECESSIVE. Identifiers: Orphanet 970, MedGen C2752089, MONDO:0024309, OMIM 201300.
Generalized epilepsy with febrile seizures plus, type 7 (GEFSP7). Also called: GEFS+, TYPE 7. Identifiers: Orphanet 36387, MedGen C2751778, MONDO:0013470, OMIM 613863.

Submission:

Labcorp Genetics (formerly Invitae), Labcorp
Classification: Pathogenic for Neuropathy, hereditary sensory and autonomic, type 2A; Generalized epilepsy with febrile seizures plus, type 7. Last evaluated: 2024-03-01. Review status: criteria provided, single submitter. Criteria: Invitae Variant Classification Sherloc (09022015). Collection method: clinical testing. Allele origin: germline.
Comment: This sequence change creates a premature translational stop signal (p.Cys1704Valfs*38) in the SCN9A gene. While this is not anticipated to result in nonsense mediated decay, it is expected to disrupt the last 274 amino acid(s) of the SCN9A protein. This variant is not present in population databases (gnomAD no frequency). This variant has not been reported in the literature in individuals affected with SCN9A-related conditions. This variant disrupts a region of the SCN9A protein in which other variant(s) (p.Glu1773Glyfs*14) have been determined to be pathogenic (PMID: 25253744). This suggests that this is a clinically significant region of the protein, and that variants that disrupt it are likely to be disease-causing. For these reasons, this variant has been classified as Pathogenic.

Literature cited by the submitters: PubMed 25253744.

NM_001365536.1(SCN9A):c.5142del (p.Cys1715fs)

Genes: SCN1A-AS1 (SCN1A and SCN9A antisense RNA 1; plus strand), SCN9A (sodium voltage-gated channel alpha subunit 9; minus strand). Cytogenetic location: 2q24.3.
Variant type: Deletion.
Coding change: c.5142del on transcript NM_001365536.1 (MANE Select); coding-DNA position 5142, one base deleted (C; older notation c.5142delC).
Protein change: p.Cys1715fs; shifts the reading frame from cysteine 1715.
Molecular consequence: frameshift variant.
Genome position (GRCh38, 1-based): chr2:166,199,497, G deleted on the plus strand (C on the coding strand, the reverse complement: SCN9A is on the minus strand). VCF-style (leftmost placement, unchanged base first): chr2-166199496-AG-A. GRCh37 (hg19) VCF-style: chr2-167056006-AG-A.
Other names: c.5109del, p.Cys1704fs (NM_002977.4); short protein forms C1704fs, C1715fs.
Identifiers: ClinVar variation 3758506 (VCV003758506.2).